The following is an entry in ClinVar:

ClinVar aggregate classification (germline): Uncertain significance (1 of 4 stars; one submission).

Conditions:
LRRC45-related disorder. Also called: LRRC45-related condition.

Submission:

PreventionGenetics, part of Exact Sciences
Classification: Uncertain significance for LRRC45-related condition. Last evaluated: 2025-09-16. Review status: criteria provided, single submitter. Criteria: ACMG Guidelines, 2015. Collection method: clinical testing. Allele origin: germline.
Comment: The LRRC45 c.1622G>A variant is predicted to result in the amino acid substitution p.Gly541Asp. To our knowledge, this variant has not been reported in the literature or in a large population database (gnomAD), indicating this variant is rare. At this time, the clinical significance of this variant is uncertain due to the absence of conclusive functional and genetic evidence.

NM_144999.4(LRRC45):c.1622G>A (p.Gly541Asp)

Gene: LRRC45 (leucine rich repeat containing 45; plus strand). Cytogenetic location: 17q25.3.
Variant type: single nucleotide variant.
Coding change: c.1622G>A on transcript NM_144999.4 (MANE Select); coding-DNA position 1622, G replaced by A.
Protein change: p.Gly541Asp; replaces glycine 541 with aspartic acid.
Molecular consequence: missense variant.
Genome position (GRCh38, 1-based): chr17:82,030,192, G>A. VCF-style: chr17-82030192-G-A. GRCh37 (hg19) VCF-style: chr17-79988068-G-A.
Other names: short protein forms G541D.
Identifiers: ClinVar variation 4996425 (VCV004996425.1).